The following is an entry in ClinVar:

ClinVar aggregate classification (germline): Uncertain significance (1 of 4 stars; one submission).

Conditions:
Intellectual developmental disorder, X-linked 99, syndromic, female-restricted. Also called: Intellectual disability, X-linked 99, syndromic, female-restricted. Identifiers: MedGen C4225416, MONDO:0010502, OMIM 300968.

Submission:

Broad Center for Mendelian Genomics, Broad Institute of MIT and Harvard
Classification: Uncertain significance for Intellectual developmental disorder, X-linked 99, syndromic, female-restricted. Last evaluated: 2026-03-04. Review status: criteria provided, single submitter. Criteria: ACMG Guidelines, 2015. Collection method: research. Allele origin: germline. Inheritance: X-linked inheritance. Study: GREGoR Consortium.
Comment: It was absent from large population studies. RNAseq analysis performed by the Broad Institute Rare Genomes Project on a blood sample from the individual carrying this variant confirmed the skipping of the out-of-frame exon 31 in a small proportion of reads. This is predicted to lead to a frameshift which is predicted to result in nonsense mediated decay of the transcript and a null effect. Loss of function of the USP9X gene is an established disease mechanism in X-linked syndromic female-restricted intellectual disability 99. In summary, while there is some suspicion for a pathogenic role, the clinical significance of this variant is uncertain. ACMG/AMP Criteria applied: PS2_moderate, PVS1_moderate, PM2_supporting.

NM_001039591.3(USP9X):c.4604-10_4604-7del

Gene: USP9X (ubiquitin specific peptidase 9 X-linked; plus strand). Cytogenetic location: Xp11.4.
Variant type: Deletion.
Coding change: c.4604-10_4604-7del on transcript NM_001039591.3 (MANE Select); 10 bases into the intron before coding-DNA position 4604 through 7 bases into the intron before coding-DNA position 4604, 4 bases deleted (CTTC; older notation c.4604-10_4604-7delCTTC).
Molecular consequence: intron variant.
Genome position (GRCh38, 1-based): chrX:41,201,050-41,201,053, CTTC deleted; deleting any 4 consecutive bases within chrX:41,201,047-41,201,053 gives the same sequence; the c. name uses the placement nearest the transcript's 3' end. VCF-style (leftmost placement, unchanged base first): chrX-41201046-TTTCC-T. GRCh37 (hg19) VCF-style: chrX-41060299-TTTCC-T.
Other names: NM_001039590.3:c.4604-10_4604-7del; c.4619-10_4619-7del (NM_001410748.1, NM_001410749.1, NM_001437534.1); c.4604-10_4604-7del (NM_001039590.3).
Identifiers: ClinVar variation 4819573 (VCV004819573.1).